The following is an entry in ClinVar:

NM_007194.4(CHEK2):c.77C>A (p.Thr26Asn)

Gene: CHEK2 (checkpoint kinase 2; minus strand). Cytogenetic location: 22q12.1.
Variant type: single nucleotide variant.
Coding change: c.77C>A on transcript NM_007194.4 (MANE Select); coding-DNA position 77, C replaced by A.
Protein change: p.Thr26Asn; replaces threonine 26 with asparagine.
Molecular consequence: missense variant.
Genome position (GRCh38, 1-based): chr22:28,734,645, G>T on the plus strand (C>A on the coding strand, the complement: CHEK2 is on the minus strand). VCF-style: chr22-28734645-G-T. GRCh37 (hg19) VCF-style: chr22-29130633-G-T.
Other names: c.77C>A, p.Thr26Asn (NM_001005735.3, NM_001349956.3, NM_145862.3); c.-701C>A (NM_001257387.3); short protein forms T26N.
Identifiers: ClinVar variation 240754 (VCV000240754.13), dbSNP rs878854923, ClinGen allele CA10583918.

ClinVar aggregate classification (germline): Uncertain significance. Review status: criteria provided, multiple submitters, no conflicts (2 of 4 stars). 3 submissions from 3 submitters: Uncertain significance (3). Last evaluated 2020-04-16.

Conditions:
Hereditary cancer-predisposing syndrome. Also called: Tumor predisposition; Neoplastic Syndromes, Hereditary; Hereditary Cancer Syndrome; Hereditary neoplastic syndrome. Identifiers: Orphanet 140162, MedGen C0027672, MeSH D009386, MONDO:0015356.
Familial cancer of breast. Also called: Hereditary breast cancer; BREAST CANCER, FAMILIAL; hereditary breast carcinoma. Identifiers: Orphanet 227535, MedGen C0346153, MONDO:0016419, OMIM 114480. Disease mechanism: loss of function.

Submissions (3):

Labcorp Genetics (formerly Invitae), Labcorp
Classification: Uncertain significance for Familial cancer of breast. Last evaluated: 2020-04-16. Review status: criteria provided, single submitter. Criteria: Invitae Variant Classification Sherloc (09022015). Collection method: clinical testing. Allele origin: germline.
Comment: In summary, the available evidence is currently insufficient to determine the role of this variant in disease. Therefore, it has been classified as a Variant of Uncertain Significance. Algorithms developed to predict the effect of missense changes on protein structure and function are either unavailable or do not agree on the potential impact of this missense change (SIFT: "Deleterious"; PolyPhen-2: "Benign"; Align-GVGD: "Class C0"). This variant has not been reported in the literature in individuals with CHEK2-related conditions. ClinVar contains an entry for this variant (Variation ID: 240754). This variant is not present in population databases (ExAC no frequency). This sequence change replaces threonine with asparagine at codon 26 of the CHEK2 protein (p.Thr26Asn). The threonine residue is weakly conserved and there is a small physicochemical difference between threonine and asparagine.

Women's Health and Genetics/Laboratory Corporation of America, LabCorp
Classification: Uncertain significance. Last evaluated: 2019-06-20. Review status: criteria provided, single submitter. Criteria: LabCorp Variant Classification Summary - May 2015. Collection method: clinical testing. Allele origin: germline.
Comment: Variant summary: CHEK2 c.77C>A (p.Thr26Asn) results in a non-conservative amino acid change in the encoded protein sequence. Three of five in-silico tools predict a benign effect of the variant on protein function. The variant was absent in 248868 control chromosomes. The available data on variant occurrences in the general population are insufficient to allow any conclusion about variant significance. To our knowledge, no occurrence of c.77C>A in individuals affected with Hereditary Breast and Ovarian Cancer and no experimental evidence demonstrating its impact on protein function have been reported. A ClinVar submission from a clinical diagnostic laboratory (evaluation after 2014) cites the variant as uncertain significance. Based on the evidence outlined above, the variant was classified as uncertain significance.

Ambry Genetics
Classification: Uncertain significance for Hereditary cancer-predisposing syndrome. Last evaluated: 2018-09-20. Review status: criteria provided, single submitter. Criteria: Ambry Variant Classification Scheme 2023. Collection method: clinical testing. Allele origin: germline.
Comment: The p.T26N variant (also known as c.77C>A), located in coding exon 1 of the CHEK2 gene, results from a C to A substitution at nucleotide position 77. The threonine at codon 26 is replaced by asparagine, an amino acid with similar properties. This amino acid position is poorly conserved in available vertebrate species. In addition, this alteration is predicted to be tolerated by in silico analysis. Since supporting evidence is limited at this time, the clinical significance of this alteration remains unclear.